The following is an entry in ClinVar:

NM_006019.4(TCIRG1):c.1592A>G (p.Asn531Ser)

Gene: TCIRG1 (T cell immune regulator 1, ATPase H+ transporting V0 subunit a3; plus strand). Cytogenetic location: 11q13.2.
Variant type: single nucleotide variant.
Coding change: c.1592A>G on transcript NM_006019.4 (MANE Select); coding-DNA position 1592, A replaced by G.
Protein change: p.Asn531Ser; replaces asparagine 531 with serine.
Molecular consequence: missense variant.
Genome position (GRCh38, 1-based): chr11:68,048,916, A>G. VCF-style: chr11-68048916-A-G. GRCh37 (hg19) VCF-style: chr11-67816383-A-G.
Other names: c.698A>G, p.Asn233Ser (NM_001351059.2); c.1592A>G, p.Asn531Ser (NM_001440552.1, NM_001440553.1, NM_001440554.1 and 2 more transcripts); c.1550A>G, p.Asn517Ser (NM_001440555.1, NM_001440556.1, NM_001440563.1); c.1379A>G, p.Asn460Ser (NM_001440559.1, NM_001440560.1, NM_001440561.1 and 2 more transcripts); c.1337A>G, p.Asn446Ser (NM_001440564.1); c.1292A>G, p.Asn431Ser (NM_001440565.1); c.1130A>G, p.Asn377Ser (NM_001440567.1); c.1124A>G, p.Asn375Ser (NM_001440568.1); and 2 more; short protein forms N211S, N315S, N431S, N531S, N233S, N375S, N377S, N446S.
Identifiers: ClinVar variation 4749029 (VCV004749029.1).

ClinVar aggregate classification (germline): Uncertain significance (1 of 4 stars; one submission).

gnomAD v4.1: 4 of 1,612,794 alleles (0.00025%); highest among the groups gnomAD compares: East Asian, 0.0022%; no homozygotes.

Submission:

Labcorp Genetics (formerly Invitae), Labcorp
Classification: Uncertain significance. Last evaluated: 2025-07-09. Review status: criteria provided, single submitter. Criteria: Invitae Variant Classification Sherloc (09022015). Collection method: clinical testing. Allele origin: germline.
Comment: This sequence change replaces asparagine, which is neutral and polar, with serine, which is neutral and polar, at codon 531 of the TCIRG1 protein (p.Asn531Ser). This variant is not present in population databases (gnomAD no frequency). This variant has not been reported in the literature in individuals affected with TCIRG1-related conditions. Invitae Evidence Modeling of protein sequence and biophysical properties (such as structural, functional, and spatial information, amino acid conservation, physicochemical variation, residue mobility, and thermodynamic stability) indicates that this missense variant is expected to disrupt TCIRG1 protein function with a positive predictive value of 80%. In summary, the available evidence is currently insufficient to determine the role of this variant in disease. Therefore, it has been classified as a Variant of Uncertain Significance.